The following is an entry in ClinVar:

NM_080605.4(B3GALT6):c.541C>A (p.Leu181Ile)

Gene: B3GALT6 (beta-1,3-galactosyltransferase 6; plus strand). Cytogenetic location: 1p36.33.
Variant type: single nucleotide variant.
Coding change: c.541C>A on transcript NM_080605.4 (MANE Select); coding-DNA position 541, C replaced by A.
Protein change: p.Leu181Ile; replaces leucine 181 with isoleucine.
Molecular consequence: missense variant.
Genome position (GRCh38, 1-based): chr1:1,232,819, C>A. VCF-style: chr1-1232819-C-A. GRCh37 (hg19) VCF-style: chr1-1168199-C-A.
Other names: short protein forms L181I.
Identifiers: ClinVar variation 2942011 (VCV002942011.3), dbSNP rs2521969057, ClinGen allele CA337826437.

ClinVar aggregate classification (germline): Uncertain significance (1 of 4 stars; one submission).

Conditions:
Ehlers-Danlos syndrome, spondylodysplastic type, 2 (EDSSPD2). Also called: Ehlers-Danlos syndrome, progeroid type, 2. Identifiers: Orphanet 536467, Orphanet 75496, MedGen C3809210, MONDO:0014139, OMIM 615349.
Spondyloepimetaphyseal dysplasia with joint laxity (SEMDJL). Identifiers: MedGen C0432243, MONDO:0019675.

Submission:

Labcorp Genetics (formerly Invitae), Labcorp
Classification: Uncertain significance for Ehlers-Danlos syndrome, spondylodysplastic type, 2; Spondyloepimetaphyseal dysplasia with joint laxity. Last evaluated: 2023-02-19. Review status: criteria provided, single submitter. Criteria: Invitae Variant Classification Sherloc (09022015). Collection method: clinical testing. Allele origin: germline.
Comment: In summary, the available evidence is currently insufficient to determine the role of this variant in disease. Therefore, it has been classified as a Variant of Uncertain Significance. Advanced modeling of protein sequence and biophysical properties (such as structural, functional, and spatial information, amino acid conservation, physicochemical variation, residue mobility, and thermodynamic stability) performed at Invitae indicates that this missense variant is not expected to disrupt B3GALT6 protein function. This variant has not been reported in the literature in individuals affected with B3GALT6-related conditions. This variant is not present in population databases (gnomAD no frequency). This sequence change replaces leucine, which is neutral and non-polar, with isoleucine, which is neutral and non-polar, at codon 181 of the B3GALT6 protein (p.Leu181Ile).